The following is an entry in ClinVar:

ClinVar aggregate classification (germline): Uncertain significance. Review status: criteria provided, multiple submitters, no conflicts (2 of 4 stars). 3 submissions from 3 submitters: Uncertain significance (3). Last evaluated 2025-11-12.

Conditions:
Cardiovascular phenotype. Identifiers: MedGen CN230736.

gnomAD v4.1: 2 of 1,613,616 alleles (0.00012%); highest among the groups gnomAD compares: African/African-American, 0.0013%; no homozygotes.

Submissions (3):

Ambry Genetics
Classification: Uncertain significance for Cardiovascular phenotype. Last evaluated: 2025-11-12. Review status: criteria provided, single submitter. Criteria: Ambry Variant Classification Scheme 2023. Collection method: clinical testing. Allele origin: germline.

Labcorp Genetics (formerly Invitae), Labcorp
Classification: Uncertain significance. Last evaluated: 2024-07-24. Review status: criteria provided, single submitter. Criteria: Invitae Variant Classification Sherloc (09022015). Collection method: clinical testing. Allele origin: germline.
Comment: This sequence change replaces proline, which is neutral and non-polar, with alanine, which is neutral and non-polar, at codon 282 of the LOX protein (p.Pro282Ala). This variant is present in population databases (no rsID available, gnomAD 0.004%). This variant has not been reported in the literature in individuals affected with LOX-related conditions. ClinVar contains an entry for this variant (Variation ID: 2451968). Advanced modeling of protein sequence and biophysical properties (such as structural, functional, and spatial information, amino acid conservation, physicochemical variation, residue mobility, and thermodynamic stability) has been performed at Invitae for this missense variant, however the output from this modeling did not meet the statistical confidence thresholds required to predict the impact of this variant on LOX protein function. In summary, the available evidence is currently insufficient to determine the role of this variant in disease. Therefore, it has been classified as a Variant of Uncertain Significance.

GeneDx
Classification: Uncertain significance. Last evaluated: 2023-09-01. Review status: criteria provided, single submitter. Criteria: GeneDx Variant Classification Process June 2021. Collection method: clinical testing. Allele origin: germline. Affected: yes.
Comment: Has not been previously published as pathogenic or benign to our knowledge; Not observed at significant frequency in large population cohorts (gnomAD); In silico analysis supports that this missense variant has a deleterious effect on protein structure/function

NM_002317.7(LOX):c.844C>G (p.Pro282Ala)

Genes: LOX (lysyl oxidase; minus strand), SRFBP1 (serum response factor binding protein 1; plus strand). Cytogenetic location: 5q23.1.
Variant type: single nucleotide variant.
Coding change: c.844C>G on transcript NM_002317.7 (MANE Select); coding-DNA position 844, C replaced by G.
Protein change: p.Pro282Ala; replaces proline 282 with alanine.
Molecular consequence: missense variant. On other transcripts: 5 prime UTR variant (1).
Genome position (GRCh38, 1-based): chr5:122,075,438, G>C on the plus strand (C>G on the coding strand, the complement: LOX is on the minus strand). VCF-style: chr5-122075438-G-C. GRCh37 (hg19) VCF-style: chr5-121411133-G-C.
Other names: c.154C>G, p.Pro52Ala (NM_001178102.2); c.-48C>G (NM_001317073.1); c.844C>G (NM_002317.6); short protein forms P52A, P282A.
Identifiers: ClinVar variation 2451968 (VCV002451968.7), dbSNP rs1020489697, ClinGen allele CA125949518.
Genomic context (GRCh38, chr5:122,075,438, plus strand): 5'-AGTACCCAGGAGGCCCATTTACTTACTGATGACAACTGTGCCATTCCCAGGAATATCTTG[G>C]TCGGCTGGGTAAGAAATCTGATGTCCCTTGGTTTTTCACTCTTTGGGGAAATCTGAGCAG-3'
Protein context (NP_002308.2, residues 272-292): QGTSDFLPSR[Pro282Ala]RYSWEWHSCH